The following is an entry in ClinVar:

ClinVar aggregate classification (germline): Uncertain significance (1 of 4 stars; one submission).

Conditions:
Hermansky-Pudlak syndrome 2 (HPS2). Also called: Platelet defects and oculocutaneous albinism. Identifiers: Orphanet 183678, Orphanet 79430, MedGen C1842362, MONDO:0011997, OMIM 608233.

Allele frequency attached by ClinVar (database versions not stated): gnomAD exomes 0.00001.
gnomAD v4.1: 12 of 1,613,228 alleles (0.00074%); highest among the groups gnomAD compares: Non-Finnish European, 0.001%; no homozygotes.

Submission:

Labcorp Genetics (formerly Invitae), Labcorp
Classification: Uncertain significance for Hermansky-Pudlak syndrome 2. Last evaluated: 2019-09-29. Review status: criteria provided, single submitter. Criteria: Invitae Variant Classification Sherloc (09022015). Collection method: clinical testing. Allele origin: germline.
Comment: This variant is not present in population databases (ExAC no frequency). In summary, the available evidence is currently insufficient to determine the role of this variant in disease. Therefore, it has been classified as a Variant of Uncertain Significance. Nucleotide substitutions within the consensus splice site are a relatively common cause of aberrant splicing (PMID: 17576681, 9536098). Algorithms developed to predict the effect of sequence changes on RNA splicing suggest that this variant is not likely to affect RNA splicing, but this prediction has not been confirmed by published transcriptional studies. This variant has not been reported in the literature in individuals with AP3B1-related conditions. This sequence change falls in intron 25 of the AP3B1 gene. It does not directly change the encoded amino acid sequence of the AP3B1 protein, but it affects a nucleotide within the consensus splice site of the intron.

Literature cited by the submitters: PubMed 17576681; PubMed 9536098.

NM_003664.5(AP3B1):c.2993-3C>T

Gene: AP3B1 (adaptor related protein complex 3 subunit beta 1; minus strand). Cytogenetic location: 5q14.1.
Variant type: single nucleotide variant.
Coding change: c.2993-3C>T on transcript NM_003664.5 (MANE Select); 3 bases into the intron before coding-DNA position 2993, C replaced by T.
Molecular consequence: intron variant.
Genome position (GRCh38, 1-based): chr5:78,015,551, G>A on the plus strand (C>T on the coding strand, the complement: AP3B1 is on the minus strand). VCF-style: chr5-78015551-G-A. GRCh37 (hg19) VCF-style: chr5-77311375-G-A.
Other names: c.2846-3C>T (NM_001271769.2).
Identifiers: ClinVar variation 972016 (VCV000972016.9), dbSNP rs1746824105, ClinGen allele CA1139658896.